The following is an entry in ClinVar:

NM_017866.6(TMEM70):c.418A>G (p.Ile140Val)

Gene: TMEM70 (transmembrane protein 70; plus strand). Cytogenetic location: 8q21.11.
Variant type: single nucleotide variant.
Coding change: c.418A>G on transcript NM_017866.6 (MANE Select); coding-DNA position 418, A replaced by G.
Protein change: p.Ile140Val; replaces isoleucine 140 with valine.
Molecular consequence: missense variant. On other transcripts: 3 prime UTR variant (1), non-coding transcript variant (1).
Genome position (GRCh38, 1-based): chr8:73,981,256, A>G. VCF-style: chr8-73981256-A-G. GRCh37 (hg19) VCF-style: chr8-74893491-A-G.
Other names: c.*108A>G (NM_001040613.3); short protein forms I140V.
Identifiers: ClinVar variation 1896475 (VCV001896475.4), dbSNP rs1420273843, ClinGen allele CA371489945.

ClinVar aggregate classification (germline): Uncertain significance (1 of 4 stars; one submission).

Conditions:
Mitochondrial complex V (ATP synthase) deficiency, nuclear type 2. Also called: Nuclear-Encoded ATPase Deficiency, TMEM70-Related; ENCEPHALOCARDIOMYOPATHY, MITOCHONDRIAL, NEONATAL, DUE TO ATP SYNTHASE DEFICIENCY; MITOCHONDRIAL COMPLEX V (ATP SYNTHASE) DEFICIENCY, TMEM70 TYPE. Identifiers: Orphanet 1194, MedGen C3279699, MONDO:0013546, OMIM 614052.

Allele frequency attached by ClinVar (database versions not stated): gnomAD exomes below 0.00001; gnomAD 0.00001; TOPMed 0.00001.
gnomAD v4.1: 7 of 1,613,870 alleles (0.00043%); highest among the groups gnomAD compares: Non-Finnish European, 0.00059%; no homozygotes.

Submission:

Labcorp Genetics (formerly Invitae), Labcorp
Classification: Uncertain significance for Mitochondrial complex V (ATP synthase) deficiency, nuclear type 2. Last evaluated: 2022-02-23. Review status: criteria provided, single submitter. Criteria: Invitae Variant Classification Sherloc (09022015). Collection method: clinical testing. Allele origin: germline.
Comment: This variant has not been reported in the literature in individuals affected with TMEM70-related conditions. This sequence change replaces isoleucine, which is neutral and non-polar, with valine, which is neutral and non-polar, at codon 140 of the TMEM70 protein (p.Ile140Val). This variant is present in population databases (no rsID available, gnomAD 0.0009%). Algorithms developed to predict the effect of missense changes on protein structure and function output the following: SIFT: "Tolerated"; PolyPhen-2: "Benign"; Align-GVGD: "Class C0". The valine amino acid residue is found in multiple mammalian species, which suggests that this missense change does not adversely affect protein function. In summary, the available evidence is currently insufficient to determine the role of this variant in disease. Therefore, it has been classified as a Variant of Uncertain Significance.